The following is an entry in ClinVar:

NM_001270508.2(TNFAIP3):c.1906+1G>T

Gene: TNFAIP3 (TNF alpha induced protein 3; plus strand). Cytogenetic location: 6q23.3.
Variant type: single nucleotide variant.
Coding change: c.1906+1G>T on transcript NM_001270508.2 (MANE Select); the canonical splice donor site of the intron after coding-DNA position 1906, G replaced by T.
Molecular consequence: splice donor variant.
Genome position (GRCh38, 1-based): chr6:137,879,352, G>T. VCF-style: chr6-137879352-G-T. GRCh37 (hg19) VCF-style: chr6-138200489-G-T.
Other names: c.1906+1G>T (NM_001270507.2, NM_006290.4).
Identifiers: ClinVar variation 4856220 (VCV004856220.1).

ClinVar aggregate classification (germline): Likely pathogenic (1 of 4 stars; one submission).

Conditions:
Autoinflammatory syndrome, familial, Behcet-like 1 (AIFBL1). Also called: Haploinsufficiency of A20. Identifiers: Orphanet 674762, MedGen C4225218, MONDO:0800045, OMIM 616744.

Submission:

3billion
Classification: Likely pathogenic for Autoinflammatory syndrome, familial, Behcet-like 1. Last evaluated: 2025-10-10. Review status: criteria provided, single submitter. Criteria: ACMG Guidelines, 2015. Collection method: clinical testing. Allele origin: germline. Affected: yes.
Comment: The variant is not observed in the gnomAD v4.1.0 dataset. Predicted Consequence/Location: Canonical splice site: predicted to alter splicing and result in a loss or disruption of normal protein function. Multiple pathogenic loss-of-function variants are reported downstream of the variant. In silico tools predict the variant to alter splicing and produce an abnormal transcript [SpliceAI: 0.97 (spliceogenicity >=0.2, non-spliceogenicity <0.1)]. Therefore, this variant is classified as Likely pathogenic according to the recommendation of ACMG/AMP guideline.